The following is an entry in ClinVar:

NM_001184.4(ATR):c.1176G>A (p.Leu392=)

Gene: ATR (ATR checkpoint kinase; minus strand). Cytogenetic location: 3q23.
Variant type: single nucleotide variant.
Coding change: c.1176G>A on transcript NM_001184.4 (MANE Select); coding-DNA position 1176, G replaced by A.
Protein change: p.Leu392=; no amino-acid change (leucine 392 retained).
Molecular consequence: synonymous variant.
Genome position (GRCh38, 1-based): chr3:142,561,416, C>T on the plus strand (G>A on the coding strand, the complement: ATR is on the minus strand). VCF-style: chr3-142561416-C-T. GRCh37 (hg19) VCF-style: chr3-142280258-C-T.
Other names: c.1176G>A, p.Leu392= (NM_001354579.2).
Identifiers: ClinVar variation 4807662 (VCV004807662.1).

ClinVar aggregate classification (germline): Uncertain significance (1 of 4 stars; one submission).

Submission:

Labcorp Genetics (formerly Invitae), Labcorp
Classification: Uncertain significance. Last evaluated: 2025-08-13. Review status: criteria provided, single submitter. Criteria: Invitae Variant Classification Sherloc (09022015). Collection method: clinical testing. Allele origin: germline.
Comment: This sequence change affects codon 392 of the ATR mRNA. It is a 'silent' change, meaning that it does not change the encoded amino acid sequence of the ATR protein. This variant is not present in population databases (gnomAD no frequency). This variant has not been reported in the literature in individuals affected with ATR-related conditions. Algorithms developed to predict the effect of sequence changes on RNA splicing suggest that this variant may create or strengthen a splice site. In summary, the available evidence is currently insufficient to determine the role of this variant in disease. Therefore, it has been classified as a Variant of Uncertain Significance.